The following is an entry in ClinVar:

NM_000834.5(GRIN2B):c.2810A>G (p.His937Arg)

Gene: GRIN2B (glutamate ionotropic receptor NMDA type subunit 2B; minus strand). Cytogenetic location: 12p13.1.
Variant type: single nucleotide variant.
Coding change: c.2810A>G on transcript NM_000834.5 (MANE Select); coding-DNA position 2810, A replaced by G.
Protein change: p.His937Arg; replaces histidine 937 with arginine.
Molecular consequence: missense variant.
Genome position (GRCh38, 1-based): chr12:13,564,428, T>C on the plus strand (A>G on the coding strand, the complement: GRIN2B is on the minus strand). VCF-style: chr12-13564428-T-C. GRCh37 (hg19) VCF-style: chr12-13717362-T-C.
Other names: short protein forms H937R.
Identifiers: ClinVar variation 435388 (VCV000435388.56), dbSNP rs1168893427, ClinGen allele CA383993456.

ClinVar aggregate classification (germline): Conflicting classifications of pathogenicity. Review status: criteria provided, conflicting classifications (1 of 4 stars). 4 submissions from 4 submitters: Uncertain significance (3); Benign (1). Last evaluated 2025-04-12.

Conditions:
Inborn genetic diseases. Identifiers: MedGen C0950123, MeSH D030342.
Intellectual developmental disorder, autosomal dominant 6, with or without seizures. Also called: GRIN2B-related developmental delay, intellectual disability and autism spectrum disorder; Intellectual disability, autosomal dominant 6. Identifiers: Orphanet 589547, MedGen C3151411, MONDO:0013509, OMIM 613970.
Developmental and epileptic encephalopathy, 27 (DEE27). Also called: Epileptic encephalopathy, early infantile, 27; GRIN2B-Related Neurodevelopmental Disorder. Identifiers: Orphanet 3451, MedGen C4015316, MONDO:0014505, OMIM 616139.

Allele frequency attached by ClinVar (database versions not stated): gnomAD exomes below 0.00001; TOPMed 0.00002.
gnomAD v4.1: 17 of 1,614,234 alleles (0.0011%); highest among the groups gnomAD compares: Non-Finnish European, 0.0014%; no homozygotes.

Submissions (4):

Ambry Genetics
Classification: Uncertain significance for Inborn genetic diseases. Last evaluated: 2025-04-12. Review status: criteria provided, single submitter. Criteria: Ambry Variant Classification Scheme 2023. Collection method: clinical testing. Allele origin: germline.

Labcorp Genetics (formerly Invitae), Labcorp
Classification: Benign for Developmental and epileptic encephalopathy, 27; Intellectual developmental disorder, autosomal dominant 6, with or without seizures. Last evaluated: 2025-03-16. Review status: criteria provided, single submitter. Criteria: Invitae Variant Classification Sherloc (09022015). Collection method: clinical testing. Allele origin: germline.

Women's Health and Genetics/Laboratory Corporation of America, LabCorp
Classification: Uncertain significance. Last evaluated: 2024-07-02. Review status: criteria provided, single submitter. Criteria: LabCorp Variant Classification Summary - May 2015. Collection method: clinical testing. Allele origin: germline.
Comment: Variant summary: GRIN2B c.2810A>G (p.His937Arg) results in a non-conservative amino acid change located in the Glutamate [NMDA] receptor, epsilon subunit, C-terminal domain (IPR018884) of the encoded protein sequence. Three of five in-silico tools predict a benign effect of the variant on protein function. The variant allele was found at a frequency of 4e-06 in 251492 control chromosomes. The available data on variant occurrences in the general population are insufficient to allow any conclusion about variant significance. To our knowledge, no occurrence of c.2810A>G in individuals affected with Mental Retardation, Autosomal Dominant 6 and/or Developmental and epileptic encephalopathy 27, and no experimental evidence demonstrating its impact on protein function have been reported. ClinVar contains an entry for this variant (Variation ID: 435388). Based on the evidence outlined above, the variant was classified as uncertain significance.

Genetic Services Laboratory, University of Chicago
Classification: Uncertain significance. Last evaluated: 2015-12-09. Review status: criteria provided, single submitter. Criteria: ACMG Guidelines, 2015. Collection method: clinical testing. Allele origin: germline. Affected: no.